The following is an entry in ClinVar:

NM_004526.4(MCM2):c.1874C>T (p.Thr625Met)

Gene: MCM2 (minichromosome maintenance complex component 2; plus strand). Cytogenetic location: 3q21.3.
Variant type: single nucleotide variant.
Coding change: c.1874C>T on transcript NM_004526.4 (MANE Select); coding-DNA position 1874, C replaced by T.
Protein change: p.Thr625Met; replaces threonine 625 with methionine.
Molecular consequence: missense variant. On other transcripts: non-coding transcript variant (1).
Genome position (GRCh38, 1-based): chr3:127,617,379, C>T. VCF-style: chr3-127617379-C-T. GRCh37 (hg19) VCF-style: chr3-127336222-C-T.
Other names: short protein forms T625M.
Identifiers: ClinVar variation 1924521 (VCV001924521.5), dbSNP rs1028095105, ClinGen allele CA354391367.

ClinVar aggregate classification (germline): Uncertain significance (1 of 4 stars; one submission).

Allele frequency attached by ClinVar (database versions not stated): gnomAD exomes 0.00001.
gnomAD v4.1: 13 of 1,613,958 alleles (0.00081%); highest among the groups gnomAD compares: East Asian, 0.0045%; no homozygotes.

Submission:

Labcorp Genetics (formerly Invitae), Labcorp
Classification: Uncertain significance. Last evaluated: 2022-09-10. Review status: criteria provided, single submitter. Criteria: Invitae Variant Classification Sherloc (09022015). Collection method: clinical testing. Allele origin: germline.
Comment: In summary, the available evidence is currently insufficient to determine the role of this variant in disease. Therefore, it has been classified as a Variant of Uncertain Significance. Advanced modeling of protein sequence and biophysical properties (such as structural, functional, and spatial information, amino acid conservation, physicochemical variation, residue mobility, and thermodynamic stability) performed at Invitae indicates that this missense variant is expected to disrupt MCM2 protein function. This variant has not been reported in the literature in individuals affected with MCM2-related conditions. This variant is present in population databases (no rsID available, gnomAD 0.003%). This sequence change replaces threonine, which is neutral and polar, with methionine, which is neutral and non-polar, at codon 625 of the MCM2 protein (p.Thr625Met).